The following is an entry in ClinVar:

NM_006734.4(HIVEP2):c.776A>G (p.Asp259Gly)

Gene: HIVEP2 (HIVEP zinc finger 2; minus strand). Cytogenetic location: 6q24.2.
Variant type: single nucleotide variant.
Coding change: c.776A>G on transcript NM_006734.4 (MANE Select); coding-DNA position 776, A replaced by G.
Protein change: p.Asp259Gly; replaces aspartic acid 259 with glycine.
Molecular consequence: missense variant.
Genome position (GRCh38, 1-based): chr6:142,773,963, T>C on the plus strand (A>G on the coding strand, the complement: HIVEP2 is on the minus strand). VCF-style: chr6-142773963-T-C. GRCh37 (hg19) VCF-style: chr6-143095100-T-C.
Other names: short protein forms D259G.
Identifiers: ClinVar variation 782255 (VCV000782255.35), dbSNP rs202020297, ClinGen allele CA4028695.

ClinVar aggregate classification (germline): Benign/Likely benign. Review status: criteria provided, multiple submitters, no conflicts (2 of 4 stars). 4 submissions from 4 submitters: Benign (1); Likely benign (2). 1 of the submissions does not count toward it. Last evaluated 2026-02-03.

Conditions:
HIVEP2-related disorder. Also called: HIVEP2-related condition.

Allele frequency attached by ClinVar (database versions not stated): gnomAD 0.00064 and 0.00073; TOPMed 0.00079; ExAC 0.00080; gnomAD exomes 0.00085 and 0.00097; ESP Exome Variant Server 0.00098.
gnomAD v4.1: 1,518 of 1,614,036 alleles (0.094%); highest among the groups gnomAD compares: Middle Eastern, 0.16%; 3 homozygotes.

Submissions (4):

Labcorp Genetics (formerly Invitae), Labcorp
Classification: Likely benign. Last evaluated: 2026-02-03. Review status: criteria provided, single submitter. Criteria: Invitae Variant Classification Sherloc (09022015). Collection method: clinical testing. Allele origin: germline.

Blueprint Genetics
Classification: Likely benign. Last evaluated: 2024-11-26. Review status: criteria provided, single submitter. Criteria: ACMG Guidelines, 2015. Collection method: clinical testing. Allele origin: germline.

CeGaT Center for Human Genetics Tuebingen
Classification: Benign. Last evaluated: 2024-10-01. Review status: criteria provided, single submitter. Criteria: CeGaT Center For Human Genetics Tuebingen Variant Classification Criteria Version 2. Collection method: clinical testing. Allele origin: germline. Affected: yes. Observed: 4 variant alleles.
Comment: HIVEP2: BS1, BS2

PreventionGenetics, part of Exact Sciences
Classification: Likely benign for HIVEP2-related condition. Last evaluated: 2020-03-12. Review status: no assertion criteria provided. Collection method: clinical testing. Allele origin: germline. Not counted in ClinVar's aggregate classification.
Comment: This variant is classified as likely benign based on ACMG/AMP sequence variant interpretation guidelines (Richards et al. 2015 PMID: 25741868, with internal and published modifications).